The following is an entry in ClinVar:

ClinVar aggregate classification (germline): Uncertain significance (1 of 4 stars; one submission).

gnomAD v4.1: 1 of 1,534,316 alleles (0.000065%); highest among the groups gnomAD compares: Admixed American, 0.0019%; no homozygotes.

Submission:

GeneDx
Classification: Uncertain significance. Last evaluated: 2023-01-11. Review status: criteria provided, single submitter. Criteria: GeneDx Variant Classification Process June 2021. Collection method: clinical testing. Allele origin: germline. Affected: yes.
Comment: Not observed at significant frequency in large population cohorts (gnomAD); In silico analysis supports that this missense variant has a deleterious effect on protein structure/function; Has not been previously published as pathogenic or benign to our knowledge

NM_002941.4(ROBO1):c.644A>T (p.Asp215Val)

Gene: ROBO1 (roundabout guidance receptor 1; minus strand). Cytogenetic location: 3p12.3.
Variant type: single nucleotide variant.
Coding change: c.644A>T on transcript NM_002941.4 (MANE Select); coding-DNA position 644, A replaced by T.
Protein change: p.Asp215Val; replaces aspartic acid 215 with valine.
Molecular consequence: missense variant.
Genome position (GRCh38, 1-based): chr3:78,746,756, T>A on the plus strand (A>T on the coding strand, the complement: ROBO1 is on the minus strand). VCF-style: chr3-78746756-T-A. GRCh37 (hg19) VCF-style: chr3-78795906-T-A.
Other names: c.527A>T, p.Asp176Val (NM_001145844.1, NM_001145845.2, NM_133631.4); short protein forms D176V, D215V.
Identifiers: ClinVar variation 2572805 (VCV002572805.1), dbSNP rs749280806, ClinGen allele CA2499210.